The following is an entry in ClinVar:

ClinVar aggregate classification (germline): Likely benign. Review status: criteria provided, multiple submitters, no conflicts (2 of 4 stars). 2 submissions from 2 submitters: Likely benign (2). Last evaluated 2012-04-30.

Submissions (2):

Laboratory for Molecular Medicine, Mass General Brigham Personalized Medicine
Classification: Likely benign. Last evaluated: 2012-04-30. Review status: criteria provided, single submitter. Criteria: LMM Criteria. Collection method: clinical testing. Allele origin: germline. Observed: 1 variant allele.
Comment: Gly1177Gly in Exon 48 of COL11A2: This variant is not expected to have clinical significance because it does not alter an amino acid residue, is not located wit hin the splice consensus sequence, and has been identified in 1/7012 European Am erican chromosomes from a broad population by the NHLBI Exome Sequencing Project.

PreventionGenetics, part of Exact Sciences
Classification: Likely benign. Review status: criteria provided, single submitter. Criteria: ACMG Guidelines, 2015. Collection method: clinical testing. Allele origin: germline.

NM_080680.3(COL11A2):c.3531A>G (p.Gly1177=)

Gene: COL11A2 (collagen type XI alpha 2 chain; minus strand). Cytogenetic location: 6p21.32.
Variant type: single nucleotide variant.
Coding change: c.3531A>G on transcript NM_080680.3 (MANE Select); coding-DNA position 3531, A replaced by G.
Protein change: p.Gly1177=; no amino-acid change (glycine 1177 retained).
Molecular consequence: synonymous variant.
Genome position (GRCh38, 1-based): chr6:33,170,377, T>C on the plus strand (A>G on the coding strand, the complement: COL11A2 is on the minus strand). VCF-style: chr6-33170377-T-C. GRCh37 (hg19) VCF-style: chr6-33138154-T-C.
Other names: c.3210A>G, p.Gly1070= (NM_080679.3); c.3273A>G, p.Gly1091= (NM_080681.3).
Identifiers: ClinVar variation 227270 (VCV000227270.5), dbSNP rs530771165, ClinGen allele CA10576686.